The following is an entry in ClinVar:

NM_007194.4(CHEK2):c.898del (p.Val300fs)

Gene: CHEK2 (checkpoint kinase 2; minus strand). Cytogenetic location: 22q12.1.
Variant type: Deletion.
Coding change: c.898del on transcript NM_007194.4 (MANE Select); coding-DNA position 898, one base deleted (G; older notation c.898delG).
Protein change: p.Val300fs; shifts the reading frame from valine 300.
Molecular consequence: frameshift variant.
Genome position (GRCh38, 1-based): chr22:28,703,515, C deleted on the plus strand (G on the coding strand, the reverse complement: CHEK2 is on the minus strand). VCF-style (leftmost placement, unchanged base first): chr22-28703514-AC-A. GRCh37 (hg19) VCF-style: chr22-29099502-AC-A.
Other names: c.1027delG, p.Val343Phefs (NM_001005735.3); c.235delG, p.Val79Phefs (NM_001257387.3); c.697delG, p.Val233Phefs (NM_001349956.3); c.898delG, p.Val300Phefs (NM_145862.3); short protein forms V300fs, V233fs, V343fs, V79fs.
Identifiers: ClinVar variation 2120928 (VCV002120928.4), dbSNP rs2517885237, ClinGen allele CA2580099367.

ClinVar aggregate classification (germline): Pathogenic (1 of 4 stars; one submission).

Conditions:
Familial cancer of breast. Also called: BREAST CANCER, FAMILIAL; Hereditary breast cancer; hereditary breast carcinoma. Identifiers: Orphanet 227535, MedGen C0346153, MONDO:0016419, OMIM 114480. Disease mechanism: loss of function.

Submission:

Labcorp Genetics (formerly Invitae), Labcorp
Classification: Pathogenic for Familial cancer of breast. Last evaluated: 2022-04-02. Review status: criteria provided, single submitter. Criteria: Invitae Variant Classification Sherloc (09022015). Collection method: clinical testing. Allele origin: germline.
Comment: For these reasons, this variant has been classified as Pathogenic. This variant has not been reported in the literature in individuals affected with CHEK2-related conditions. This variant is not present in population databases (gnomAD no frequency). This sequence change creates a premature translational stop signal (p.Val300Phefs*4) in the CHEK2 gene. It is expected to result in an absent or disrupted protein product. Loss-of-function variants in CHEK2 are known to be pathogenic (PMID: 21876083, 24713400).

Literature cited by the submitters: PubMed 21876083; PubMed 24713400.